The following is an entry in ClinVar:

ClinVar aggregate classification (germline): Likely benign. Review status: criteria provided, multiple submitters, no conflicts (2 of 4 stars). 3 submissions from 3 submitters: Likely benign (2). 1 of the submissions does not count toward it. Last evaluated 2026-01-21.

Conditions:
Epileptic encephalopathy. Identifiers: MedGen C0543888, HP:0200134.
FASN-related disorder. Also called: FASN-related condition.

Allele frequency attached by ClinVar (database versions not stated): TOPMed 0.00001; gnomAD 0.00002; gnomAD exomes 0.00004; ExAC 0.00005.
gnomAD v4.1: 60 of 1,610,960 alleles (0.0037%); highest among the groups gnomAD compares: African/African-American, 0.0093%; no homozygotes.

Submissions (3):

Labcorp Genetics (formerly Invitae), Labcorp
Classification: Likely benign for Epileptic encephalopathy. Last evaluated: 2026-01-21. Review status: criteria provided, single submitter. Criteria: Invitae Variant Classification Sherloc (09022015). Collection method: clinical testing. Allele origin: germline.

Blueprint Genetics
Classification: Likely benign. Last evaluated: 2024-03-07. Review status: criteria provided, single submitter. Criteria: ACMG Guidelines, 2015. Collection method: clinical testing. Allele origin: germline.

PreventionGenetics, part of Exact Sciences
Classification: Likely benign for FASN-related condition. Last evaluated: 2020-01-03. Review status: no assertion criteria provided. Collection method: clinical testing. Allele origin: germline. Not counted in ClinVar's aggregate classification.
Comment: This variant is classified as likely benign based on ACMG/AMP sequence variant interpretation guidelines (Richards et al. 2015 PMID: 25741868, with internal and published modifications).

NM_004104.5(FASN):c.6678G>A (p.Pro2226=)

Gene: FASN (fatty acid synthase; minus strand). Cytogenetic location: 17q25.3.
Variant type: single nucleotide variant.
Coding change: c.6678G>A on transcript NM_004104.5 (MANE Select); coding-DNA position 6678, G replaced by A.
Protein change: p.Pro2226=; no amino-acid change (proline 2226 retained).
Molecular consequence: synonymous variant.
Genome position (GRCh38, 1-based): chr17:82,080,840, C>T on the plus strand (G>A on the coding strand, the complement: FASN is on the minus strand). VCF-style: chr17-82080840-C-T. GRCh37 (hg19) VCF-style: chr17-80038716-C-T.
Identifiers: ClinVar variation 662123 (VCV000662123.11), dbSNP rs762791524, ClinGen allele CA8851221.
Genomic context (GRCh38, chr17:82,080,840, plus strand): 5'-CAGGAACAGGGGCCGCTCCGAGCTCTGCACGGAGTTGAGCCGCATCAGGGTGGGGCCCTC[C>T]GGGTTCACCAGCAGGGAGCGCAGGTTCAGCTGAGTCTGCTGCTGGGCCAGACCATCCTCC-3'
Protein context (NP_004095.4, residues 2216-2236): QLNLRSLLVN[Pro2226=]EGPTLMRLNS